The following is an entry in ClinVar:

NM_000388.4(CASR):c.1663A>G (p.Ile555Val)

Gene: CASR (calcium sensing receptor; plus strand). Cytogenetic location: 3q21.1.
Variant type: single nucleotide variant.
Coding change: c.1663A>G on transcript NM_000388.4 (MANE Select); coding-DNA position 1663, A replaced by G.
Protein change: p.Ile555Val; replaces isoleucine 555 with valine.
Molecular consequence: missense variant.
Genome position (GRCh38, 1-based): chr3:122,282,167, A>G. VCF-style: chr3-122282167-A-G. GRCh37 (hg19) VCF-style: chr3-122001014-A-G.
Other names: c.1693A>G, p.Ile565Val (NM_001178065.2); short protein forms I555V, I565V.
Identifiers: ClinVar variation 836744 (VCV000836744.20), dbSNP rs777646067, ClinGen allele CA2569720.

ClinVar aggregate classification (germline): Conflicting classifications of pathogenicity. Review status: criteria provided, conflicting classifications (1 of 4 stars). 4 submissions from 4 submitters: Likely pathogenic (2); Uncertain significance (2). Last evaluated 2025-10-16.

Conditions:
CASR-related disorder. Also called: CASR-related condition.
Familial hypocalciuric hypercalcemia (FHH). Also called: Familial benign hypercalcemia. Identifiers: Orphanet 405, MedGen C1809471, MONDO:0018458.
Autosomal dominant hypocalcemia 1 (HYPOC1). Also called: HYPOCALCEMIA, FAMILIAL. Identifiers: MedGen C3715128, MONDO:0011013, OMIM 601198.

Allele frequency attached by ClinVar (database versions not stated): gnomAD exomes below 0.00001; ExAC 0.00001.
gnomAD v4.1: 1 of 1,614,200 alleles (0.000062%); no homozygotes.

Submissions (4):

GeneDx
Classification: Likely pathogenic. Last evaluated: 2025-10-16. Review status: criteria provided, single submitter. Criteria: GeneDx Variant Classification Process June 2021. Collection method: clinical testing. Allele origin: germline.
Comment: Observed in an individual with clinical suspicion of familial hypocalciuric hypercalcemia (PMID: 17698911); Observed by whole genome sequencing in a patient with primary hyperparathyroidism, parathyroid adenoma, and family history of hyperparathyroidism in both a parent and a child; patient had a clinical diagnosis of MEN1 but no variant was identified by sequencing of the MEN1 gene (PMID: 31658439); Not observed at significant frequency in large population cohorts (gnomAD); In silico analysis indicates that this missense variant does not alter protein structure/function; This variant is associated with the following publications: (PMID: 22192860, 17698911, 31658439)

Center for Genomic Medicine, Rigshospitalet, Copenhagen University Hospital
Classification: Uncertain significance. Last evaluated: 2025-03-04. Review status: criteria provided, single submitter. Criteria: ACMG Guidelines, 2015. Collection method: clinical testing. Allele origin: germline.

Blueprint Genetics
Classification: Likely pathogenic for CASR-related disorders. Last evaluated: 2022-01-12. Review status: criteria provided, single submitter. Criteria: ACMG Guidelines, 2015. Collection method: clinical testing. Allele origin: germline. Affected: yes. Observed: 2 variant alleles.

Labcorp Genetics (formerly Invitae), Labcorp
Classification: Uncertain significance for Familial hypocalciuric hypercalcemia; Autosomal dominant hypocalcemia 1. Last evaluated: 2021-08-17. Review status: criteria provided, single submitter. Criteria: Invitae Variant Classification Sherloc (09022015). Collection method: clinical testing. Allele origin: germline.
Comment: In summary, the available evidence is currently insufficient to determine the role of this variant in disease. Therefore, it has been classified as a Variant of Uncertain Significance. Algorithms developed to predict the effect of missense changes on protein structure and function (SIFT, PolyPhen-2, Align-GVGD) all suggest that this variant is likely to be tolerated, but these predictions have not been confirmed by published functional studies and their clinical significance is uncertain. This variant has been observed in an individual with a clinical suspicion of familial hypocalciuric hypercalcemia (PMID: 17698911). This variant is present in population databases (rs777646067, ExAC 0.001%). This sequence change replaces isoleucine with valine at codon 555 of the CASR protein (p.Ile555Val). The isoleucine residue is highly conserved and there is a small physicochemical difference between isoleucine and valine.

Literature cited by the submitters: PubMed 17698911 (cited by Center for Genomic Medicine, Rigshospitalet, Copenhagen University Hospital and Labcorp Genetics (formerly Invitae), Labcorp).